The following is an entry in ClinVar:

NM_000211.5(ITGB2):c.1694A>T (p.His565Leu)

Gene: ITGB2 (integrin subunit beta 2; minus strand). Cytogenetic location: 21q22.3.
Variant type: single nucleotide variant.
Coding change: c.1694A>T on transcript NM_000211.5 (MANE Select); coding-DNA position 1694, A replaced by T.
Protein change: p.His565Leu; replaces histidine 565 with leucine.
Molecular consequence: missense variant.
Genome position (GRCh38, 1-based): chr21:44,889,459, T>A on the plus strand (A>T on the coding strand, the complement: ITGB2 is on the minus strand). VCF-style: chr21-44889459-T-A. GRCh37 (hg19) VCF-style: chr21-46309374-T-A.
Other names: c.1694A>T, p.His565Leu (NM_001127491.3); c.1487A>T, p.His496Leu (NM_001303238.2); short protein forms H565L, H496L.
Identifiers: ClinVar variation 953989 (VCV000953989.10), dbSNP rs965990834, ClinGen allele CA410484156.

ClinVar aggregate classification (germline): Uncertain significance (1 of 4 stars; one submission).

Conditions:
Leukocyte adhesion deficiency 1 (LAD1). Also called: LEUKOCYTE ADHESION DEFICIENCY, TYPE I; LAD 1; Lymphocyte function-associated antigen 1 immunodeficiency; LFA 1 immunodeficiency. Identifiers: Orphanet 2968, Orphanet 99842, MedGen C0398738, MONDO:0007293, OMIM 116920.

Submission:

Labcorp Genetics (formerly Invitae), Labcorp
Classification: Uncertain significance for Leukocyte adhesion deficiency 1. Last evaluated: 2019-08-26. Review status: criteria provided, single submitter. Criteria: Invitae Variant Classification Sherloc (09022015). Collection method: clinical testing. Allele origin: germline.
Comment: In summary, the available evidence is currently insufficient to determine the role of this variant in disease. Therefore, it has been classified as a Variant of Uncertain Significance. Algorithms developed to predict the effect of missense changes on protein structure and function output the following: SIFT: "Tolerated"; PolyPhen-2: "Benign"; Align-GVGD: "Class C0". The leucine amino acid residue is found in multiple mammalian species, suggesting that this missense change does not adversely affect protein function. These predictions have not been confirmed by published functional studies and their clinical significance is uncertain. This variant has not been reported in the literature in individuals with ITGB2-related conditions. This variant is not present in population databases (ExAC no frequency). This sequence change replaces histidine with leucine at codon 565 of the ITGB2 protein (p.His565Leu). The histidine residue is weakly conserved and there is a moderate physicochemical difference between histidine and leucine.